The following is an entry in ClinVar:

ClinVar aggregate classification (germline): Likely benign. Review status: criteria provided, multiple submitters, no conflicts (2 of 4 stars). 4 submissions from 4 submitters: Likely benign (2). 2 of the submissions do not count toward it. Last evaluated 2026-01-27.

Conditions:
ADAMTS2-related disorder. Also called: ADAMTS2-related condition.
Ehlers-Danlos syndrome, dermatosparaxis type. Also called: EDS VIIC; Ehlers-Danlos syndrome, type VII, autosomal recessive; Dermatosparaxis. Identifiers: Orphanet 1901, MedGen C2700425, MONDO:0009161, OMIM 225410.

Allele frequency attached by ClinVar (database versions not stated): gnomAD 0.00001 and 0.00003; TOPMed 0.00002; gnomAD exomes 0.00006 and 0.00011; ExAC 0.00016.
gnomAD v4.1: 88 of 1,607,358 alleles (0.0055%); highest among the groups gnomAD compares: South Asian, 0.077%; no homozygotes.

Submissions (4):

Labcorp Genetics (formerly Invitae), Labcorp
Classification: Likely benign for Ehlers-Danlos syndrome, dermatosparaxis type. Last evaluated: 2026-01-27. Review status: criteria provided, single submitter. Criteria: Invitae Variant Classification Sherloc (09022015). Collection method: clinical testing. Allele origin: germline.

Blueprint Genetics
Classification: Likely benign. Last evaluated: 2024-09-16. Review status: criteria provided, single submitter. Criteria: ACMG Guidelines, 2015. Collection method: clinical testing. Allele origin: germline.

Natera, Inc.
Classification: Likely benign for Ehlers-Danlos syndrome type VIIC. Last evaluated: 2020-04-20. Review status: no assertion criteria provided. Collection method: clinical testing. Allele origin: germline. Not counted in ClinVar's aggregate classification.

PreventionGenetics, part of Exact Sciences
Classification: Likely benign for ADAMTS2-related condition. Last evaluated: 2019-06-27. Review status: no assertion criteria provided. Collection method: clinical testing. Allele origin: germline. Not counted in ClinVar's aggregate classification.
Comment: This variant is classified as likely benign based on ACMG/AMP sequence variant interpretation guidelines (Richards et al. 2015 PMID: 25741868, with internal and published modifications).

NM_014244.5(ADAMTS2):c.1419C>T (p.His473=)

Gene: ADAMTS2 (ADAM metallopeptidase with thrombospondin type 1 motif 2; minus strand). Cytogenetic location: 5q35.3.
Variant type: single nucleotide variant.
Coding change: c.1419C>T on transcript NM_014244.5 (MANE Select); coding-DNA position 1419, C replaced by T.
Protein change: p.His473=; no amino-acid change (histidine 473 retained).
Molecular consequence: synonymous variant.
Genome position (GRCh38, 1-based): chr5:179,153,587, G>A on the plus strand (C>T on the coding strand, the complement: ADAMTS2 is on the minus strand). VCF-style: chr5-179153587-G-A. GRCh37 (hg19) VCF-style: chr5-178580588-G-A.
Other names: c.1419C>T, p.His473= (NM_021599.4); c.1419C>T (NM_014244.4).
Identifiers: ClinVar variation 1135674 (VCV001135674.15), dbSNP rs758260638, ClinGen allele CA3595920.
Genomic context (GRCh38, chr5:179,153,587, plus strand): 5'-GCGGCATTGCTCGTTCATGGAGTAGTGCAGTCCCGGGAGCTGGGGCAGCGCCGGCCAGTC[G>A]TGGGCGAAGGGGTCATCCAGCAGGCAGTCATAGGAGCTGTGGGGGACACACGGTGCCGCG-3'
Protein context (NP_055059.2, residues 463-483): YDCLLDDPFA[His473=]DWPALPQLPG